The following is an entry in ClinVar:

ClinVar aggregate classification (germline): Conflicting classifications of pathogenicity. Review status: criteria provided, conflicting classifications (1 of 4 stars). 9 submissions from 9 submitters: Uncertain significance (5); Likely benign (1). 3 of the submissions do not count toward it. Last evaluated 2026-01-19.

Conditions:
Cardiovascular phenotype. Identifiers: MedGen CN230736.
Long QT syndrome 10 (LQT10). Identifiers: Orphanet 101016, Orphanet 768, MedGen C2678484, MONDO:0012737, OMIM 611819.

Allele frequency attached by ClinVar (database versions not stated): TOPMed 0.00014.
gnomAD v4.1: 507 of 1,614,046 alleles (0.031%); highest among the groups gnomAD compares: Non-Finnish European, 0.042%; 1 homozygote.

Submissions (9):

Labcorp Genetics (formerly Invitae), Labcorp
Classification: Uncertain significance for Long QT syndrome 10. Last evaluated: 2026-01-19. Review status: criteria provided, single submitter. Criteria: Invitae Variant Classification Sherloc (09022015). Collection method: clinical testing. Allele origin: germline.
Comment: This sequence change replaces threonine, which is neutral and polar, with arginine, which is basic and polar, at codon 211 of the SCN4B protein (p.Thr211Arg). This variant is present in population databases (rs201454653, gnomAD 0.03%), and has an allele count higher than expected for a pathogenic variant. This missense change has been observed in individual(s) with clinical features of SCN4B-related conditions (PMID: 28837624, 30847666). ClinVar contains an entry for this variant (Variation ID: 190895). An algorithm developed to predict the effect of missense changes on protein structure and function (PolyPhen-2) suggests that this variant is likely to be disruptive. In summary, the available evidence is currently insufficient to determine the role of this variant in disease. Therefore, it has been classified as a Variant of Uncertain Significance.

GeneDx
Classification: Uncertain significance. Last evaluated: 2024-09-19. Review status: criteria provided, single submitter. Criteria: GeneDx Variant Classification Process June 2021. Collection method: clinical testing. Allele origin: germline. Affected: yes.
Comment: Identified in patients with arrhythmia in the published literature (PMID: 28837624, 30821358, 30847666); In silico analysis supports that this missense variant has a deleterious effect on protein structure/function; Variants in candidate genes are classified as variants of uncertain significance in accordance with ACMG guidelines (PMID: 25741868); This variant is associated with the following publications: (PMID: 30821358, 30847666, 28837624, 25741868)

Ambry Genetics
Classification: Likely benign for Cardiovascular phenotype. Last evaluated: 2022-03-14. Review status: criteria provided, single submitter. Criteria: Ambry Variant Classification Scheme 2023. Collection method: clinical testing. Allele origin: germline.

Fulgent Genetics
Classification: Uncertain significance for Long QT syndrome 10. Last evaluated: 2021-07-05. Review status: criteria provided, single submitter. Criteria: ACMG Guidelines, 2015. Collection method: clinical testing. Allele origin: unknown.

Mayo Clinic Laboratories, Mayo Clinic
Classification: Uncertain significance. Last evaluated: 2019-07-14. Review status: criteria provided, single submitter. Criteria: ACMG Guidelines, 2015. Collection method: clinical testing. Allele origin: germline. Observed: 1 variant allele.

CeGaT Center for Human Genetics Tuebingen
Classification: Uncertain significance. Last evaluated: 2016-10-01. Review status: criteria provided, single submitter. Criteria: CeGaT Center For Human Genetics Tuebingen Variant Classification Criteria Version 2. Collection method: clinical testing. Allele origin: germline. Affected: yes. Observed: 1 variant allele.

Clinical Genetics, Academic Medical Center
Classification: Uncertain significance. Review status: no assertion criteria provided. Collection method: clinical testing. Allele origin: germline. Affected: yes. Study: VKGL Data-share Consensus. Not counted in ClinVar's aggregate classification.

Diagnostic Laboratory, Department of Genetics, University Medical Center Groningen
Classification: Uncertain significance. Review status: no assertion criteria provided. Collection method: clinical testing. Allele origin: germline. Affected: yes. Study: VKGL Data-share Consensus. Not counted in ClinVar's aggregate classification.

Joint Genome Diagnostic Labs from Nijmegen and Maastricht, Radboudumc and MUMC+
Classification: Uncertain significance. Review status: no assertion criteria provided. Collection method: clinical testing. Allele origin: germline. Affected: yes. Study: VKGL Data-share Consensus. Not counted in ClinVar's aggregate classification.

Literature cited by the submitters: PubMed 28837624 (cited by Labcorp Genetics (formerly Invitae), Labcorp and Ambry Genetics); PubMed 30847666 (cited by Labcorp Genetics (formerly Invitae), Labcorp); PubMed 30821358 (cited by Ambry Genetics).

NM_174934.4(SCN4B):c.632C>G (p.Thr211Arg)

Gene: SCN4B (sodium voltage-gated channel beta subunit 4; minus strand). Cytogenetic location: 11q23.3.
Variant type: single nucleotide variant.
Coding change: c.632C>G on transcript NM_174934.4 (MANE Select); coding-DNA position 632, C replaced by G.
Protein change: p.Thr211Arg; replaces threonine 211 with arginine.
Molecular consequence: missense variant. On other transcripts: non-coding transcript variant (1).
Genome position (GRCh38, 1-based): chr11:118,137,082, G>C on the plus strand (C>G on the coding strand, the complement: SCN4B is on the minus strand). VCF-style: chr11-118137082-G-C. GRCh37 (hg19) VCF-style: chr11-118007797-G-C.
Other names: p.T211R:ACG>AGG; c.230C>G, p.Thr77Arg (NM_001142348.2); c.302C>G, p.Thr101Arg (NM_001142349.2); short protein forms T211R, T101R, T77R.
Identifiers: ClinVar variation 190895 (VCV000190895.62), dbSNP rs201454653, ClinGen allele CA302222.